The following is an entry in ClinVar:

ClinVar aggregate classification (germline): Uncertain significance (1 of 4 stars; one submission).

Conditions:
Cardiovascular phenotype. Identifiers: MedGen CN230736.
Hereditary cancer-predisposing syndrome. Also called: Hereditary neoplastic syndrome; Neoplastic Syndromes, Hereditary; Tumor predisposition; Hereditary Cancer Syndrome. Identifiers: Orphanet 140162, MedGen C0027672, MeSH D009386, MONDO:0015356.

Submission:

Ambry Genetics
Classification: Uncertain significance for Cardiovascular phenotype; Hereditary cancer-predisposing syndrome. Last evaluated: 2025-07-09. Review status: criteria provided, single submitter. Criteria: Ambry Variant Classification Scheme 2023. Collection method: clinical testing. Allele origin: germline.
Comment: The p.F358L variant (also known as c.1072T>C), located in coding exon 10 of the NF1 gene, results from a T to C substitution at nucleotide position 1072. The phenylalanine at codon 358 is replaced by leucine, an amino acid with highly similar properties. This amino acid position is conserved. In addition, this alteration is predicted to be tolerated by in silico analysis. Based on the available evidence, the clinical significance of this variant remains unclear.

NM_001042492.3(NF1):c.1072T>C (p.Phe358Leu)

Gene: NF1 (neurofibromin 1; plus strand). Cytogenetic location: 17q11.2.
Variant type: single nucleotide variant.
Coding change: c.1072T>C on transcript NM_001042492.3 (MANE Select); coding-DNA position 1072, T replaced by C.
Protein change: p.Phe358Leu; replaces phenylalanine 358 with leucine.
Molecular consequence: missense variant.
Genome position (GRCh38, 1-based): chr17:31,201,046, T>C. VCF-style: chr17-31201046-T-C. GRCh37 (hg19) VCF-style: chr17-29528064-T-C.
Other names: c.1072T>C, p.Phe358Leu (NM_000267.4, NM_001128147.3); short protein forms F358L.
Identifiers: ClinVar variation 4119097 (VCV004119097.1).